The following is an entry in ClinVar:

ClinVar aggregate classification (germline): Uncertain significance (1 of 4 stars; one submission).

Conditions:
Autosomal dominant limb-girdle muscular dystrophy type 1F (LGMDD2). Also called: Limb-girdle muscular dystrophy, type 1F; MUSCULAR DYSTROPHY, LIMB-GIRDLE, AUTOSOMAL DOMINANT 2. Identifiers: Orphanet 55595, MedGen C1842062, MONDO:0012034, OMIM 608423.

Submission:

Labcorp Genetics (formerly Invitae), Labcorp
Classification: Uncertain significance for Autosomal dominant limb-girdle muscular dystrophy type 1F. Last evaluated: 2024-01-25. Review status: criteria provided, single submitter. Criteria: Invitae Variant Classification Sherloc (09022015). Collection method: clinical testing. Allele origin: germline.
Comment: This sequence change creates a premature translational stop signal (p.Val670Cysfs*41) in the TNPO3 gene. It is expected to result in an absent or disrupted protein product. However, the current clinical and genetic evidence is not sufficient to establish whether loss-of-function variants in TNPO3 cause disease. This variant is not present in population databases (gnomAD no frequency). This variant has not been reported in the literature in individuals affected with TNPO3-related conditions. ClinVar contains an entry for this variant (Variation ID: 965236). In summary, the available evidence is currently insufficient to determine the role of this variant in disease. Therefore, it has been classified as a Variant of Uncertain Significance.

NM_012470.4(TNPO3):c.2007dup (p.Val670fs)

Gene: TNPO3 (transportin 3; minus strand). Cytogenetic location: 7q32.1.
Variant type: Duplication.
Coding change: c.2007dup on transcript NM_012470.4 (MANE Select); coding-DNA position 2007, one base duplicated (T; older notation c.2007dupT).
Protein change: p.Val670fs; shifts the reading frame from valine 670.
Molecular consequence: frameshift variant. On other transcripts: non-coding transcript variant (14), intron variant (1).
Genome position (GRCh38, 1-based): chr7:128,979,037, A duplicated on the plus strand (T on the coding strand, the reverse complement: TNPO3 is on the minus strand). VCF-style (leftmost placement, unchanged base first): chr7-128979036-C-CA. GRCh37 (hg19) VCF-style: chr7-128619090-C-CA.
Other names: c.1815dup, p.Val606fs (NM_001191028.3, NM_001382223.1); c.2109dup, p.Val704fs (NM_001382216.1); c.2088dup, p.Val697fs (NM_001382217.1); c.2007dup, p.Val670fs (NM_001382218.1); c.1899dup, p.Val634fs (NM_001382219.1); c.1863dup, p.Val622fs (NM_001382221.1); c.1860dup, p.Val621fs (NM_001382222.1); c.1920+934dup (NM_001382220.1); short protein forms V622fs, V621fs, V634fs, V670fs, V606fs, V697fs, V704fs.
Identifiers: ClinVar variation 965236 (VCV000965236.8), dbSNP rs1799368672, ClinGen allele CA1139660267.